The following is an entry in ClinVar:

NM_177438.3(DICER1):c.2947C>G (p.Leu983Val)

Gene: DICER1 (dicer 1, ribonuclease III; minus strand). Cytogenetic location: 14q32.13.
Variant type: single nucleotide variant.
Coding change: c.2947C>G on transcript NM_177438.3 (MANE Select); coding-DNA position 2947, C replaced by G.
Protein change: p.Leu983Val; replaces leucine 983 with valine.
Molecular consequence: missense variant.
Genome position (GRCh38, 1-based): chr14:95,106,081, G>C on the plus strand (C>G on the coding strand, the complement: DICER1 is on the minus strand). VCF-style: chr14-95106081-G-C. GRCh37 (hg19) VCF-style: chr14-95572418-G-C.
Other names: c.2947C>G, p.Leu983Val (NM_001195573.1, NM_001271282.3, NM_001291628.2 and 1 more transcripts); short protein forms L983V.
Identifiers: ClinVar variation 1060111 (VCV001060111.14), dbSNP rs1267003109, ClinGen allele CA390878886.
Genomic context (GRCh38, chr14:95,106,081, plus strand): 5'-TCATCTCTGAAGCCCCTTACCTTGAAGATGTGTGGTCCACATCCAGCAGTGGCTGGTTGA[G>C]ATTGGTTAGGTCAAGGTTGTACTTTGTTTTATAATATTCTGCAAAAGTTTCATACTCAGG-3'
Protein context (NP_803187.1, residues 973-993): KTKYNLDLTN[Leu983Val]NQPLLDVDHT

ClinVar aggregate classification (germline): Conflicting classifications of pathogenicity. Review status: criteria provided, conflicting classifications (1 of 4 stars). 3 submissions from 3 submitters: Uncertain significance (2); Likely benign (1). Last evaluated 2025-04-10.

Conditions:
Global developmental delay - lung cysts - overgrowth - Wilms tumor syndrome. Also called: GLOBAL DEVELOPMENTAL DELAY, LUNG CYSTS, OVERGROWTH, AND WILMS TUMOR; GLOW Syndrome. Identifiers: Orphanet 404476, MedGen C4748924, MONDO:0018445, OMIM 618272.
DICER1-related tumor predisposition. Also called: DICER1 syndrome; DICER1-related pleuropulmonary blastoma cancer predisposition syndrome. Identifiers: Orphanet 284343, MedGen C3839822, MONDO:0100216.
Hereditary cancer-predisposing syndrome. Also called: Tumor predisposition; Neoplastic Syndromes, Hereditary; Hereditary Cancer Syndrome; Hereditary neoplastic syndrome. Identifiers: Orphanet 140162, MedGen C0027672, MeSH D009386, MONDO:0015356.

gnomAD v4.1: 3 of 1,614,212 alleles (0.00019%); highest among the groups gnomAD compares: South Asian, 0.0033%; no homozygotes.

Submissions (3):

Ambry Genetics
Classification: Likely benign for Hereditary cancer-predisposing syndrome. Last evaluated: 2025-04-10. Review status: criteria provided, single submitter. Criteria: Ambry Variant Classification Scheme 2023. Collection method: clinical testing. Allele origin: germline.

Baylor Genetics
Classification: Uncertain significance for Global developmental delay - lung cysts - overgrowth - Wilms tumor syndrome. Last evaluated: 2023-07-19. Review status: criteria provided, single submitter. Criteria: ACMG Guidelines, 2015. Collection method: clinical testing. Allele origin: unknown.

Labcorp Genetics (formerly Invitae), Labcorp
Classification: Uncertain significance for DICER1-related tumor predisposition. Last evaluated: 2020-03-18. Review status: criteria provided, single submitter. Criteria: Invitae Variant Classification Sherloc (09022015). Collection method: clinical testing. Allele origin: germline.
Comment: In summary, the available evidence is currently insufficient to determine the role of this variant in disease. Therefore, it has been classified as a Variant of Uncertain Significance. Algorithms developed to predict the effect of missense changes on protein structure and function (SIFT, PolyPhen-2, Align-GVGD) all suggest that this variant is likely to be tolerated, but these predictions have not been confirmed by published functional studies and their clinical significance is uncertain. This variant has not been reported in the literature in individuals with DICER1-related conditions. This variant is not present in population databases (ExAC no frequency). This sequence change replaces leucine with valine at codon 983 of the DICER1 protein (p.Leu983Val). The leucine residue is moderately conserved and there is a small physicochemical difference between leucine and valine.